The following is an entry in ClinVar:

NM_001136271.3(NKX2-6):c.183C>T (p.Gly61=)

Gene: NKX2-6 (NK2 homeobox 6; minus strand). Cytogenetic location: 8p21.2.
Variant type: single nucleotide variant.
Coding change: c.183C>T on transcript NM_001136271.3 (MANE Select); coding-DNA position 183, C replaced by T.
Protein change: p.Gly61=; no amino-acid change (glycine 61 retained).
Molecular consequence: synonymous variant.
Genome position (GRCh38, 1-based): chr8:23,706,416, G>A on the plus strand (C>T on the coding strand, the complement: NKX2-6 is on the minus strand). VCF-style: chr8-23706416-G-A. GRCh37 (hg19) VCF-style: chr8-23563929-G-A.
Identifiers: ClinVar variation 466314 (VCV000466314.13), dbSNP rs139466287, ClinGen allele CA4678011.

ClinVar aggregate classification (germline): Benign. Review status: criteria provided, multiple submitters, no conflicts (2 of 4 stars). 3 submissions from 3 submitters: Benign (2). 1 of the submissions does not count toward it. Last evaluated 2026-01-11.

Conditions:
NKX2-6-related disorder. Also called: NKX2-6-related condition.
Conotruncal heart malformations (CTHM). Also called: Conotruncal heart malformations, variable. Identifiers: Orphanet 2445, Orphanet 3384, Orphanet 3426, MedGen C1857586, MONDO:0016581, OMIM 217095.

Allele frequency attached by ClinVar (database versions not stated): gnomAD exomes 0.00164; ExAC 0.00257; ESP Exome Variant Server 0.00613; gnomAD 0.00722 and 0.00769; TOPMed 0.00763; 1000 Genomes Project 0.00978; 1000 Genomes Project 30x 0.01046.

Submissions (3):

Labcorp Genetics (formerly Invitae), Labcorp
Classification: Benign for Conotruncal heart malformations. Last evaluated: 2026-01-11. Review status: criteria provided, single submitter. Criteria: Invitae Variant Classification Sherloc (09022015). Collection method: clinical testing. Allele origin: germline.

Breakthrough Genomics
Classification: Benign. Review status: criteria provided, single submitter. Criteria: ACMG Guidelines, 2015. Collection method: not provided. Allele origin: germline. Inheritance: Unknown mechanism. Affected: yes.

PreventionGenetics, part of Exact Sciences
Classification: Benign for NKX2-6-related condition. Last evaluated: 2023-12-27. Review status: no assertion criteria provided. Collection method: clinical testing. Allele origin: germline. Not counted in ClinVar's aggregate classification.
Comment: This variant is classified as benign based on ACMG/AMP sequence variant interpretation guidelines (Richards et al. 2015 PMID: 25741868, with internal and published modifications).